The following is an entry in ClinVar:

NM_001943.5(DSG2):c.2886T>G (p.Ile962Met)

Genes: DSG2-AS1 (DSG2 antisense RNA 1; minus strand), DSG2 (desmoglein 2; plus strand). Cytogenetic location: 18q12.1.
Variant type: single nucleotide variant.
Coding change: c.2886T>G on transcript NM_001943.5 (MANE Select); coding-DNA position 2886, T replaced by G.
Protein change: p.Ile962Met; replaces isoleucine 962 with methionine.
Molecular consequence: missense variant.
Genome position (GRCh38, 1-based): chr18:31,546,272, T>G. VCF-style: chr18-31546272-T-G. GRCh37 (hg19) VCF-style: chr18-29126235-T-G.
Other names: p.I962M:ATT>ATG; short protein forms I962M.
Identifiers: ClinVar variation 44308 (VCV000044308.32), dbSNP rs79229040, ClinGen allele CA021920.

ClinVar aggregate classification (germline): Benign/Likely benign. Review status: criteria provided, multiple submitters, no conflicts (2 of 4 stars). 14 submissions from 14 submitters: Benign (6); Likely benign (4). 4 of the submissions do not count toward it. Last evaluated 2026-02-03.

Conditions:
Cardiovascular phenotype. Identifiers: MedGen CN230736.
Cardiomyopathy (CMYO). Also called: Cardiomyopathies. Identifiers: Orphanet 167848, MedGen C0878544, MONDO:0004994, HP:0001638. Inheritance: Various modes of inheritance.
Arrhythmogenic right ventricular dysplasia 10. Also called: Arrhythmogenic Right Ventricular Dysplasia/Cardiomyopathy10; ARRHYTHMOGENIC RIGHT VENTRICULAR DYSPLASIA, FAMILIAL, 10; Arrhythmogenic right ventricular dysplasia/cardiomyopathy, type 10. Identifiers: MedGen C1857777, MONDO:0012434, OMIM 610193.

Allele frequency attached by ClinVar (database versions not stated): gnomAD exomes 0.00024 and 0.00060; ExAC 0.00080; ESP Exome Variant Server 0.00252; gnomAD 0.00271 and 0.00285; TOPMed 0.00317; 1000 Genomes Project 0.00319; 1000 Genomes Project 30x 0.00359.
gnomAD v4.1: 767 of 1,603,574 alleles (0.048%); highest among the groups gnomAD compares: African/African-American, 0.89%; 4 homozygotes.

Submissions (14):

Labcorp Genetics (formerly Invitae), Labcorp
Classification: Benign for Arrhythmogenic right ventricular dysplasia 10. Last evaluated: 2026-02-03. Review status: criteria provided, single submitter. Criteria: Invitae Variant Classification Sherloc (09022015). Collection method: clinical testing. Allele origin: germline.

Blueprint Genetics
Classification: Likely benign. Last evaluated: 2024-09-04. Review status: criteria provided, single submitter. Criteria: ACMG Guidelines, 2015. Collection method: clinical testing. Allele origin: germline.

Mayo Clinic Laboratories, Mayo Clinic
Classification: Benign. Last evaluated: 2024-07-31. Review status: criteria provided, single submitter. Criteria: ACMG Guidelines, 2015. Collection method: clinical testing. Allele origin: germline. Observed: 5 variant alleles.
Comment: BS1, BS2

CHEO Genetics Diagnostic Laboratory, Children's Hospital of Eastern Ontario
Classification: Benign for Cardiomyopathy. Last evaluated: 2023-06-07. Review status: criteria provided, single submitter. Criteria: ACMG Guidelines, 2015. Collection method: clinical testing. Allele origin: germline.

Molecular Diagnostic Laboratory for Inherited Cardiovascular Disease, Montreal Heart Institute
Classification: Likely benign. Last evaluated: 2020-02-20. Review status: criteria provided, single submitter. Criteria: ACMG Guidelines, 2015. Collection method: clinical testing. Allele origin: germline. Affected: yes.

Color Diagnostics, LLC DBA Color Health
Classification: Benign for Cardiomyopathy. Last evaluated: 2018-06-04. Review status: criteria provided, single submitter. Criteria: ACMG Guidelines, 2015. Collection method: clinical testing. Allele origin: germline.

Ambry Genetics
Classification: Benign for Cardiovascular phenotype. Last evaluated: 2016-07-21. Review status: criteria provided, single submitter. Criteria: Ambry Variant Classification Scheme 2023. Collection method: clinical testing. Allele origin: germline.

GeneDx
Classification: Benign. Last evaluated: 2013-05-29. Review status: criteria provided, single submitter. Criteria: GeneDx Variant Classification (06012015). Collection method: clinical testing. Allele origin: germline. Affected: yes.
Comment: This variant is considered likely benign or benign based on one or more of the following criteria: it is a conservative change, it occurs at a poorly conserved position in the protein, it is predicted to be benign by multiple in silico algorithms, and/or has population frequency not consistent with disease.

Laboratory for Molecular Medicine, Mass General Brigham Personalized Medicine
Classification: Likely benign. Last evaluated: 2012-02-09. Review status: criteria provided, single submitter. Criteria: LMM Criteria. Collection method: clinical testing. Allele origin: germline. Observed: 3 variant alleles.
Comment: Ile962Met in exon 15 of DSG2: This variant is not expected to have clinical sign ificance because it is not located within the splice consensus sequence and has been identified in 0.7% (24/3268) of African American chromosomes by the NHLBI E xome Sequencing Project in a broad population (dbSNP rs79229040). Ile962Met in exon 15 of DSG2 (rs79229040; allele frequency = 0.7%, 24/3268) **

Breakthrough Genomics
Classification: Likely benign. Review status: criteria provided, single submitter. Criteria: ACMG Guidelines, 2015. Collection method: not provided. Allele origin: germline. Inheritance: Autosomal recessive inheritance. Affected: yes.

Clinical Genetics DNA and cytogenetics Diagnostics Lab, Erasmus MC, Erasmus Medical Center
Classification: Likely benign. Review status: no assertion criteria provided. Collection method: clinical testing. Allele origin: germline. Affected: yes. Study: VKGL Data-share Consensus. Not counted in ClinVar's aggregate classification.

Clinical Genetics, Academic Medical Center
Classification: Benign. Review status: no assertion criteria provided. Collection method: clinical testing. Allele origin: germline. Affected: yes. Study: VKGL Data-share Consensus. Not counted in ClinVar's aggregate classification.

Diagnostic Laboratory, Department of Genetics, University Medical Center Groningen
Classification: Likely benign. Review status: no assertion criteria provided. Collection method: clinical testing. Allele origin: germline. Affected: yes. Study: VKGL Data-share Consensus. Not counted in ClinVar's aggregate classification.

Genome Diagnostics Laboratory, University Medical Center Utrecht
Classification: Likely benign. Review status: no assertion criteria provided. Collection method: clinical testing. Allele origin: germline. Affected: yes. Study: VKGL Data-share Consensus. Not counted in ClinVar's aggregate classification.